The following is an entry in ClinVar:

NM_003240.5(LEFTY2):c.330C>T (p.Asn110=)

Gene: LEFTY2 (left-right determination factor 2; minus strand). Cytogenetic location: 1q42.12.
Variant type: single nucleotide variant.
Coding change: c.330C>T on transcript NM_003240.5 (MANE Select); coding-DNA position 330, C replaced by T.
Protein change: p.Asn110=; no amino-acid change (asparagine 110 retained).
Molecular consequence: synonymous variant. On other transcripts: intron variant (1).
Genome position (GRCh38, 1-based): chr1:225,939,923, G>A on the plus strand (C>T on the coding strand, the complement: LEFTY2 is on the minus strand). VCF-style: chr1-225939923-G-A. GRCh37 (hg19) VCF-style: chr1-226127623-G-A.
Other names: c.279+51C>T (NM_001172425.3).
Identifiers: ClinVar variation 239525 (VCV000239525.19), dbSNP rs181651384, ClinGen allele CA1420614.

ClinVar aggregate classification (germline): Benign/Likely benign. Review status: criteria provided, multiple submitters, no conflicts (2 of 4 stars). 4 submissions from 4 submitters: Benign (3); Likely benign (1). Last evaluated 2025-10-21.

Conditions:
Left-right axis malformations. Identifiers: MedGen C1866091.

Allele frequency attached by ClinVar (database versions not stated): gnomAD exomes 0.00030 and 0.00069; ExAC 0.00152; 1000 Genomes Project 30x 0.00265; 1000 Genomes Project 0.00280; ESP Exome Variant Server 0.00299; gnomAD 0.00321 and 0.00346; TOPMed 0.00338.
gnomAD v4.1: 926 of 1,585,144 alleles (0.058%); highest among the groups gnomAD compares: African/African-American, 1.1%; 6 homozygotes.

Submissions (4):

Labcorp Genetics (formerly Invitae), Labcorp
Classification: Benign for Left-right axis malformations. Last evaluated: 2025-10-21. Review status: criteria provided, single submitter. Criteria: Invitae Variant Classification Sherloc (09022015). Collection method: clinical testing. Allele origin: germline.

Blueprint Genetics
Classification: Likely benign. Last evaluated: 2024-11-13. Review status: criteria provided, single submitter. Criteria: ACMG Guidelines, 2015. Collection method: clinical testing. Allele origin: germline.

Illumina Laboratory Services, Illumina
Classification: Benign for Left-right axis malformations. Last evaluated: 2018-01-13. Review status: criteria provided, single submitter. Criteria: ICSL Variant Classification Criteria 13 December 2019. Collection method: clinical testing. Allele origin: germline.
Comment: This variant was observed in the ICSL laboratory as part of a predisposition screen in an ostensibly healthy population. It had not been previously curated by ICSL or reported in the Human Gene Mutation Database (HGMD: prior to June 1st, 2018), and was therefore a candidate for classification through an automated scoring system. Utilizing variant allele frequency, disease prevalence and penetrance estimates, and inheritance mode, an automated score was calculated to assess if this variant is too frequent to cause the disease. Based on the score and internal cut-off values, a variant classified as benign is not then subjected to further curation. The score for this variant resulted in a classification of benign for this disease.

Breakthrough Genomics
Classification: Benign. Review status: criteria provided, single submitter. Criteria: ACMG Guidelines, 2015. Collection method: not provided. Allele origin: germline. Inheritance: Unknown mechanism. Affected: yes.